The following is an entry in ClinVar:

NM_006030.4(CACNA2D2):c.1376G>T (p.Arg459Leu)

Gene: CACNA2D2 (calcium voltage-gated channel auxiliary subunit alpha2delta 2; minus strand). Cytogenetic location: 3p21.31.
Variant type: single nucleotide variant.
Coding change: c.1376G>T on transcript NM_006030.4 (MANE Select); coding-DNA position 1376, G replaced by T.
Protein change: p.Arg459Leu; replaces arginine 459 with leucine.
Molecular consequence: missense variant.
Genome position (GRCh38, 1-based): chr3:50,378,297, C>A on the plus strand (G>T on the coding strand, the complement: CACNA2D2 is on the minus strand). VCF-style: chr3-50378297-C-A. GRCh37 (hg19) VCF-style: chr3-50415728-C-A.
Other names: c.1376G>T, p.Arg459Leu (NM_001005505.3, NM_001174051.3, NM_001410768.1); c.1169G>T, p.Arg390Leu (NM_001291101.1); short protein forms R390L, R459L.
Identifiers: ClinVar variation 2064346 (VCV002064346.1), dbSNP rs1158315781, ClinGen allele CA352930229.
Genomic context (GRCh38, chr3:50,378,297, plus strand): 5'-CTGCAGGGAAGCCAGGGGCTGGGAGGAGGGGCCTCCCCAAGTCTCACCTGTGTGTTGATG[C>A]GGATGGCTCCGATGGAAGGGATCTCAAAATAGTAGCCTGTGAAGGAAGGAGAGGCAGAGG-3'
Protein context (NP_006021.2, residues 449-469): YFEIPSIGAI[Arg459Leu]INTQEYLDVL

ClinVar aggregate classification (germline): Uncertain significance (1 of 4 stars; one submission).

Conditions:
Developmental and epileptic encephalopathy. Identifiers: MedGen C5779964, MONDO:0100620.

Allele frequency attached by ClinVar (database versions not stated): gnomAD exomes below 0.00001; TOPMed below 0.00001.
gnomAD v4.1: 2 of 1,552,758 alleles (0.00013%); highest among the groups gnomAD compares: Non-Finnish European, 0.000087%; no homozygotes.

Submission:

Labcorp Genetics (formerly Invitae), Labcorp
Classification: Uncertain significance for Early-infantile DEE. Last evaluated: 2022-05-29. Review status: criteria provided, single submitter. Criteria: Invitae Variant Classification Sherloc (09022015). Collection method: clinical testing. Allele origin: germline.
Comment: This sequence change replaces arginine, which is basic and polar, with leucine, which is neutral and non-polar, at codon 459 of the CACNA2D2 protein (p.Arg459Leu). This variant is not present in population databases (gnomAD no frequency). This variant has not been reported in the literature in individuals affected with CACNA2D2-related conditions. Algorithms developed to predict the effect of missense changes on protein structure and function are either unavailable or do not agree on the potential impact of this missense change (SIFT: "Deleterious"; PolyPhen-2: "Benign"; Align-GVGD: "Class C0"). In summary, the available evidence is currently insufficient to determine the role of this variant in disease. Therefore, it has been classified as a Variant of Uncertain Significance.